The following is an entry in ClinVar:

NM_004813.4(PEX16):c.*438C>T

Gene: PEX16 (peroxisomal biogenesis factor 16; minus strand). Cytogenetic location: 11p11.2.
Variant type: single nucleotide variant.
Coding change: c.*438C>T on transcript NM_004813.4 (MANE Select); 438 bases downstream of the stop codon, C replaced by T.
Molecular consequence: 3 prime UTR variant.
Genome position (GRCh38, 1-based): chr11:45,909,816, G>A on the plus strand (C>T on the coding strand, the complement: PEX16 is on the minus strand). VCF-style: chr11-45909816-G-A. GRCh37 (hg19) VCF-style: chr11-45931367-G-A.
Other names: c.*273C>T (NM_057174.3).
Identifiers: ClinVar variation 304775 (VCV000304775.7), dbSNP rs2280328, ClinGen allele CA10639185.
Genomic context (GRCh38, chr11:45,909,816, plus strand): 5'-TCTGTCACAGGGAGGCTGGCAACGCCATGGCCTGGGGCTGCCAGAGCCACAGGGCCCTGC[G>A]GAGAAGGGGCAGACGGAGGGCCCCAGCCAGAAGACACGCTGGGCAGCGTTCAGCCATCAC-3'

ClinVar aggregate classification (germline): Benign. Review status: criteria provided, multiple submitters, no conflicts (2 of 4 stars). 3 submissions from 3 submitters: Benign (3). Last evaluated 2019-04-20.

Conditions:
Peroxisome biogenesis disorder 8A (Zellweger). Also called: Peroxisome biogenesis disorder 8A. Identifiers: Orphanet 912, MedGen C3553959, MONDO:0013942, OMIM 614876.

Allele frequency attached by ClinVar (database versions not stated): gnomAD exomes 0.01037; gnomAD 0.02139 and 0.02192; TOPMed 0.02308; 1000 Genomes Project 0.04054; 1000 Genomes Project 30x 0.04076.
gnomAD v4.1: 7,250 of 530,004 alleles (1.4%); highest among the groups gnomAD compares: African/African-American, 6.4%; 214 homozygotes.

Submissions (3):

GeneDx
Classification: Benign. Last evaluated: 2019-04-20. Review status: criteria provided, single submitter. Criteria: GeneDx Variant Classification Process June 2021. Collection method: clinical testing. Allele origin: germline. Affected: yes.

Illumina Laboratory Services, Illumina
Classification: Benign for Peroxisome biogenesis disorder 8A (Zellweger). Last evaluated: 2018-01-13. Review status: criteria provided, single submitter. Criteria: ICSL Variant Classification Criteria 13 December 2019. Collection method: clinical testing. Allele origin: germline.
Comment: This variant was observed in the ICSL laboratory as part of a predisposition screen in an ostensibly healthy population. It had not been previously curated by ICSL or reported in the Human Gene Mutation Database (HGMD: prior to June 1st, 2018), and was therefore a candidate for classification through an automated scoring system. Utilizing variant allele frequency, disease prevalence and penetrance estimates, and inheritance mode, an automated score was calculated to assess if this variant is too frequent to cause the disease. Based on the score and internal cut-off values, a variant classified as benign is not then subjected to further curation. The score for this variant resulted in a classification of benign for this disease.

Breakthrough Genomics
Classification: Benign. Review status: criteria provided, single submitter. Criteria: ACMG Guidelines, 2015. Collection method: not provided. Allele origin: germline. Inheritance: Autosomal recessive inheritance. Affected: yes.